The following is an entry in ClinVar:

NM_000036.3(AMPD1):c.787C>T (p.Arg263Cys)

Gene: AMPD1 (adenosine monophosphate deaminase 1; minus strand). Cytogenetic location: 1p13.2.
Variant type: single nucleotide variant.
Coding change: c.787C>T on transcript NM_000036.3 (MANE Select); coding-DNA position 787, C replaced by T.
Protein change: p.Arg263Cys; replaces arginine 263 with cysteine.
Molecular consequence: missense variant.
Genome position (GRCh38, 1-based): chr1:114,679,689, G>A on the plus strand (C>T on the coding strand, the complement: AMPD1 is on the minus strand). VCF-style: chr1-114679689-G-A. GRCh37 (hg19) VCF-style: chr1-115222310-G-A.
Other names: c.886C>T (NM_000036.2); c.775C>T, p.Arg259Cys (NM_001172626.2); short protein forms R259C, R263C.
Identifiers: ClinVar variation 1475942 (VCV001475942.11), dbSNP rs139003085, ClinGen allele CA1020302.
Genomic context (GRCh38, chr1:114,679,689, plus strand): 5'-ACTCGTCCATCTCGTTAAGCATCTGATGGACCTGGAACTTGGAGGAGAGGAACTTCAGGC[G>A]CCGGTGGGTATAGGTCTTACTGTGAAAAATAAAATCACATAATTCCAAAAAGTTTCAGGC-3'
Protein context (NP_000027.3, residues 253-273): QGPVKTYTHR[Arg263Cys]LKFLSSKFQV

ClinVar aggregate classification (germline): Uncertain significance. Review status: criteria provided, multiple submitters, no conflicts (2 of 4 stars). 4 submissions from 4 submitters: Uncertain significance (4). Last evaluated 2024-01-04.

Conditions:
AMPD1-related disorder. Also called: AMPD1-related condition.
Inborn genetic diseases. Identifiers: MedGen C0950123, MeSH D030342.
Muscle AMP deaminase deficiency (MMDD). Also called: ADENOSINE MONOPHOSPHATE DEAMINASE-1 DEFICIENCY, MYOPATHY DUE TO; AMPD1 DEFICIENCY; Myoadenylate deaminase deficiency, myopathy due to; Adenosine monophosphate deaminase 1 deficiency; AMP deaminase 1 deficiency; Adenosine Monophosphate Deaminase 1. Identifiers: Orphanet 45, MedGen C3714933, MONDO:0014220, OMIM 615511.

Allele frequency attached by ClinVar (database versions not stated): gnomAD exomes 0.00001 and 0.00005; gnomAD 0.00003 and 0.00004; TOPMed 0.00004; ExAC 0.00006; ESP Exome Variant Server 0.00015.

Submissions (4):

Ambry Genetics
Classification: Uncertain significance for Inborn genetic diseases. Last evaluated: 2024-01-04. Review status: criteria provided, single submitter. Criteria: Ambry Variant Classification Scheme 2023. Collection method: clinical testing. Allele origin: germline.

PreventionGenetics, part of Exact Sciences
Classification: Uncertain significance for AMPD1-related condition. Last evaluated: 2023-05-31. Review status: criteria provided, single submitter. Criteria: ACMG Guidelines, 2015. Collection method: clinical testing. Allele origin: germline.
Comment: The AMPD1 c.886C>T variant is predicted to result in the amino acid substitution p.Arg296Cys. To our knowledge, this variant has not been reported in the literature. This variant is reported in 0.012% of alleles in individuals of African descent in gnomAD. At this time, the clinical significance of this variant is uncertain due to the absence of conclusive functional and genetic evidence.

Labcorp Genetics (formerly Invitae), Labcorp
Classification: Uncertain significance for Muscle AMP deaminase deficiency. Last evaluated: 2022-11-22. Review status: criteria provided, single submitter. Criteria: Invitae Variant Classification Sherloc (09022015). Collection method: clinical testing. Allele origin: germline.
Comment: This sequence change replaces arginine, which is basic and polar, with cysteine, which is neutral and slightly polar, at codon 296 of the AMPD1 protein (p.Arg296Cys). This variant is present in population databases (rs139003085, gnomAD 0.01%). This variant has not been reported in the literature in individuals affected with AMPD1-related conditions. ClinVar contains an entry for this variant (Variation ID: 1475942). Advanced modeling of protein sequence and biophysical properties (such as structural, functional, and spatial information, amino acid conservation, physicochemical variation, residue mobility, and thermodynamic stability) performed at Invitae indicates that this missense variant is expected to disrupt AMPD1 protein function. In summary, the available evidence is currently insufficient to determine the role of this variant in disease. Therefore, it has been classified as a Variant of Uncertain Significance.

Revvity Omics, Revvity
Classification: Uncertain significance for Muscle AMP deaminase deficiency. Last evaluated: 2020-01-03. Review status: criteria provided, single submitter. Criteria: ACMG Guidelines, 2015. Collection method: clinical testing. Allele origin: germline.